The following continues an entry in ClinVar:

NM_000059.3(BRCA2):c.2808_2811del (p.Ala938Profs)

Gene: BRCA2. ClinVar aggregate classification (germline): Pathogenic. Pathogenic (1).

Submissions 37 to 57 of 70:

Department of Molecular Diagnostics, Institute of Oncology Ljubljana
Classification: Pathogenic for Breast-ovarian cancer, familial, susceptibility to, 1. Last evaluated: 2020-04-02. Review status: criteria provided, single submitter. Criteria: ACMG Guidelines, 2015. Collection method: clinical testing. Allele origin: germline. Affected: yes. Not counted in ClinVar's aggregate classification.

GeneDx
Classification: Pathogenic. Last evaluated: 2020-01-27. Review status: criteria provided, single submitter. Criteria: GeneDx Variant Classification Process June 2021. Collection method: clinical testing. Allele origin: germline. Affected: yes. Not counted in ClinVar's aggregate classification.
Comment: Frameshift variant predicted to result in protein truncation or nonsense mediated decay in a gene for which loss-of-function is a known mechanism of disease; Observed in individuals with a personal or family history consistent with pathogenic variants in this gene as a recurrent variant in Western European and Hispanic populations (Wooster 1995, Spitzer 2000, Diez 2003, Salazar 2006, Janavicius 2010); Truncating variants in this gene are considered pathogenic by a well-established clinical consortium and/or database; Not observed at a significant frequency in large population cohorts (Lek 2016); This variant is associated with the following publications: (PMID: 11158174, 8524414, 10699917, 12955716, 15876480, 23199084, 33054725, 32132887, 31980526, 32029870, 32854451, 32039725, 31263571, 29176636, 31447099, 32318955, 26689913, 29625052, 27741520, 31921681, 31957001, 31432501, 30199306, 31090900, 30093976, 30322717, 30702160, 30014164, 28111427, 30652428, 30078507, 30720863, 30217213, 29310832, 29161300, 29566657, 29907814, 29752822, 29084914, 29368341, 29339979, 28767289, 28680148, 26556299, 28724667, 28195393, 29335924, 27836010, 26576347, 25085752, 29128982, 28127413, 28985766, 27882536, 28008555, 27425403, 22970155, 12065746, 27286788, 26250392, 25371446, 22034289, 16758124, 25884701, 18702510, 12845657, 19383375, 26541979, 26010302, 20713847, 26740091, 25256238, 24916970, 26026974, 25476495, 24504028, 23929434, 22144684, 21952622, 22006311, 21324516, 20736950, 12142080, 29435039, 29470806, 28993434)

Mendelics
Classification: Pathogenic for Breast-ovarian cancer, familial, susceptibility to, 2. Last evaluated: 2019-05-28. Review status: criteria provided, single submitter. Criteria: Mendelics Assertion Criteria 2017. Collection method: clinical testing. Allele origin: unknown. Not counted in ClinVar's aggregate classification.

Human Genome Sequencing Center Clinical Lab, Baylor College of Medicine
Classification: Pathogenic for Breast-ovarian cancer, familial, susceptibility to, 2. Last evaluated: 2018-05-22. Review status: criteria provided, single submitter. Criteria: ACMG Guidelines, 2015. Collection method: clinical testing. Allele origin: germline. Not counted in ClinVar's aggregate classification.
Comment: The c.2808_2811delACAA (p.Ala938Profs*21) frameshift variant in BRCA2 is predicted to introduce a premature translation termination codon. It has been reported in multiple unrelated patients with breast, ovarian or prostate cancer [PMID 8524414, 22144684, 21952622, 22006311, 21324516]. This variant is classified as pathogenic.

Women's Health and Genetics/Laboratory Corporation of America, LabCorp
Classification: Pathogenic for Hereditary breast ovarian cancer syndrome. Last evaluated: 2017-08-07. Review status: criteria provided, single submitter. Criteria: LabCorp Variant Classification Summary - May 2015. Collection method: clinical testing. Allele origin: germline. Not counted in ClinVar's aggregate classification.
Comment: Variant summary: The BRCA2 c.2808_2811delACAA (p.Ala938Profs) variant (legacy names: 3036del4 and 3036delACAA) results in a premature termination codon, predicted to cause a truncated or absent BRCA2 protein due to nonsense mediated decay, which are commonly known mechanisms for disease. This variant is absent in 120732 control chromosomes from ExAC. This variant is known to be a one of the most common pathogenic variants in non-Ashkenazi Caucasians (Diez_2003, Caputo_2012, Hall_2009, Infante_2013). Several clinical diagnostic laboratories/reputable databases in ClinVar have classified this variant as pathogenic. Therefore, this variant is classified as pathogenic.

Department of Pathology and Molecular Medicine, Queen's University
Classification: Pathogenic for Hereditary breast ovarian cancer syndrome. Last evaluated: 2017-04-20. Review status: criteria provided, single submitter. Criteria: ACMG Guidelines, 2015. Collection method: clinical testing. Allele origin: germline. Study: The Canadian Open Genetics Repository (COGR). Not counted in ClinVar's aggregate classification.

Genologica Medica
Classification: Pathogenic for Breast-ovarian cancer, familial, susceptibility to, 2. Last evaluated: 2017-01-01. Review status: criteria provided, single submitter. Criteria: ACMG Guidelines, 2015. Collection method: clinical testing. Allele origin: germline. Affected: yes. Not counted in ClinVar's aggregate classification.

Molecular Genetics Laboratory, University of Michigan
Classification: Pathogenic for Breast-ovarian cancer, familial, susceptibility to, 2. Last evaluated: 2016-04-21. Review status: criteria provided, single submitter. Criteria: ACMG Guidelines, 2015. Collection method: clinical testing. Allele origin: germline. Affected: yes. Not counted in ClinVar's aggregate classification.

University of Washington Department of Laboratory Medicine, University of Washington
Classification: Pathogenic for Breast-ovarian cancer, familial, susceptibility to, 1. Last evaluated: 2015-11-20. Review status: criteria provided, single submitter. Criteria: Shirts et al. (Genet Med 2016). Collection method: clinical testing. Allele origin: germline. Affected: yes. Observed: 1 variant allele. Not counted in ClinVar's aggregate classification.

Laboratory of Molecular Diagnosis of Cancer, West China Hospital, Sichuan University
Classification: Pathogenic for Breast neoplasm. Last evaluated: 2015-11-01. Review status: criteria provided, single submitter. Criteria: ACMG Guidelines, 2015. Collection method: research. Allele origin: germline. Affected: yes. Observed: 1 variant allele. Not counted in ClinVar's aggregate classification.

Consortium of Investigators of Modifiers of BRCA1/2 (CIMBA), c/o University of Cambridge
Classification: Pathogenic for Breast-ovarian cancer, familial, susceptibility to, 2. Last evaluated: 2015-10-02. Review status: criteria provided, single submitter. Criteria: CIMBA Mutation Classification guidelines May 2016. Collection method: clinical testing. Allele origin: germline. Not counted in ClinVar's aggregate classification.

Clinical Genetics DNA and cytogenetics Diagnostics Lab, Erasmus MC, Erasmus Medical Center
Classification: Pathogenic for Breast-ovarian cancer, familial, susceptibility to, 2. Last evaluated: 2015-09-21. Review status: criteria provided, single submitter. Criteria: ACGS Guidelines, 2013. Collection method: clinical testing. Allele origin: germline. Affected: yes. Study: VKGL Data-share Consensus. Not counted in ClinVar's aggregate classification.

Department of Medical Genetics, Oslo University Hospital
Classification: Pathogenic for Breast-ovarian cancer, familial, susceptibility to, 2. Last evaluated: 2015-07-01. Review status: criteria provided, single submitter. Criteria: ACMG Guidelines, 2015. Collection method: clinical testing. Allele origin: germline. Affected: yes. Observed: 89 variant alleles. Not counted in ClinVar's aggregate classification.

Clinical and Functional Genomics Group, A.C.Camargo Cancer Center
Classification: Pathogenic for Breast Cancer. Review status: criteria provided, single submitter. Criteria: Carraro et al. (PLoS One. 2013). Collection method: research. Allele origin: germline. Affected: yes. Not counted in ClinVar's aggregate classification.

Juno Genomics, Hangzhou Juno Genomics, Inc
Classification: Pathogenic for Familial cancer of breast; Breast-ovarian cancer, familial, susceptibility to, 2; Glioma susceptibility 3; Medulloblastoma; Pancreatic cancer, susceptibility to, 2; Familial prostate cancer; Fanconi anemia complementation group D1; Wilms tumor 1. Review status: criteria provided, single submitter. Criteria: ACMG Guidelines, 2015. Collection method: clinical testing. Allele origin: germline. Not counted in ClinVar's aggregate classification.
Comment: Absent from controls (or at extremely low frequency if recessive) in Genome Aggregation Database.;Null variant in a gene where loss of function (LOF) is a known mechanism of disease.;The prevalence of the variant in affected individuals is significantly increased compared to the prevalence in controls.

University Health Network, Familial Cancer Clinic, Princess Margaret Cancer Centre
Classification: Pathogenic for BRCA2-related cancer predisposition. Review status: criteria provided, single submitter. Criteria: ACMG Guidelines, 2015. Collection method: clinical testing. Allele origin: germline. Inheritance: Autosomal dominant inheritance. Affected: no. Observed: 1 variant allele. Not counted in ClinVar's aggregate classification.

deCODE genetics, Amgen
Classification: Likely pathogenic for Breast-ovarian cancer, familial, susceptibility to, 2. Last evaluated: 2023-07-21. Review status: no assertion criteria provided. Collection method: research. Allele origin: germline. Affected: yes. Observed: 1 variant allele. Not counted in ClinVar's aggregate classification.
Comment: The variant NM_000059.4:c.2808_2811del (chr13:32337160) in BRCA2 was detected in 1 heterozygote out of 58K WGS Icelanders (MAF= 0,001%). This variant has been reported in ClinVar previously as pathogenic. Based on ACMG criteria (PVS1, PM2) this variant classifies as likely pathogenic.

CZECANCA consortium
Classification: Pathogenic for Uterine corpus cancer. Last evaluated: 2023-02-21. Review status: no assertion criteria provided. Collection method: clinical testing. Allele origin: germline. Affected: yes. Observed: 1 variant allele. Not counted in ClinVar's aggregate classification.

BRCAlab, Lund University
Classification: Pathogenic for Breast-ovarian cancer, familial, susceptibility to, 2. Last evaluated: 2022-08-26. Review status: no assertion criteria provided. Collection method: clinical testing. Allele origin: germline. Affected: yes. Not counted in ClinVar's aggregate classification.

Laboratory for Genotyping Development, RIKEN
Classification: Pathogenic for Gastric cancer. Last evaluated: 2021-07-01. Review status: no assertion criteria provided. Collection method: research. Allele origin: germline. Not counted in ClinVar's aggregate classification.

Molecular Oncology, Hospital Universitario Central de Asturias (HUCA)
Classification: Pathogenic for Breast-ovarian cancer, familial, susceptibility to, 2. Last evaluated: 2021-05-24. Review status: no assertion criteria provided. Collection method: case-control. Allele origin: germline. Affected: yes. Not counted in ClinVar's aggregate classification.